The following is an entry in ClinVar:

ClinVar aggregate classification (germline): Uncertain significance. Review status: criteria provided, multiple submitters, no conflicts (2 of 4 stars). 4 submissions from 4 submitters: Uncertain significance (2). 2 of the submissions do not count toward it. Last evaluated 2025-06-10.

Conditions:
Arrhythmogenic right ventricular dysplasia 12. Also called: ARRHYTHMOGENIC RIGHT VENTRICULAR DYSPLASIA, FAMILIAL, 12. Identifiers: MedGen C1969081, MONDO:0012684, OMIM 611528.
Naxos disease (NXD). Also called: CARDIOMYOPATHY, ARRHYTHMOGENIC RIGHT VENTRICULAR, WITH SKIN, HAIR, AND NAIL ABNORMALITIES; KERATOSIS PALMOPLANTARIS WITH ARRHYTHMOGENIC CARDIOMYOPATHY; MAL DE NAXOS; PALMOPLANTAR KERATODERMA WITH ARRHYTHMOGENIC RIGHT VENTRICULAR CARDIOMYOPATHY AND WOOLLY HAIR; WOOLLY HAIR, PALMOPLANTAR KERATODERMA, AND CARDIAC ABNORMALITIES. Identifiers: Orphanet 34217, MedGen C1832600, MONDO:0011017, OMIM 601214.
Cardiovascular phenotype. Identifiers: MedGen CN230736.

Allele frequency attached by ClinVar (database versions not stated): gnomAD exomes below 0.00001; ExAC 0.00001; gnomAD 0.00001.
gnomAD v4.1: 11 of 1,612,416 alleles (0.00068%); highest among the groups gnomAD compares: South Asian, 0.0044%; no homozygotes.

Submissions (4):

Ambry Genetics
Classification: Uncertain significance for Cardiovascular phenotype. Last evaluated: 2025-06-10. Review status: criteria provided, single submitter. Criteria: Ambry Variant Classification Scheme 2023. Collection method: clinical testing. Allele origin: germline.
Comment: The p.S125L variant (also known as c.374C>T), located in coding exon 2 of the JUP gene, results from a C to T substitution at nucleotide position 374. The serine at codon 125 is replaced by leucine, an amino acid with dissimilar properties. This amino acid position is well conserved in available vertebrate species. In addition, this alteration is predicted to be tolerated by in silico analysis. Based on the available evidence, the clinical significance of this variant remains unclear.

Labcorp Genetics (formerly Invitae), Labcorp
Classification: Uncertain significance for Arrhythmogenic right ventricular dysplasia 12; Naxos disease. Last evaluated: 2024-10-18. Review status: criteria provided, single submitter. Criteria: Invitae Variant Classification Sherloc (09022015). Collection method: clinical testing. Allele origin: germline.
Comment: This sequence change replaces serine, which is neutral and polar, with leucine, which is neutral and non-polar, at codon 125 of the JUP protein (p.Ser125Leu). This variant is present in population databases (rs782527770, gnomAD 0.003%). This variant has not been reported in the literature in individuals affected with JUP-related conditions. ClinVar contains an entry for this variant (Variation ID: 1003551). An algorithm developed to predict the effect of missense changes on protein structure and function (PolyPhen-2) suggests that this variant is likely to be tolerated. In summary, the available evidence is currently insufficient to determine the role of this variant in disease. Therefore, it has been classified as a Variant of Uncertain Significance.

Diagnostic Laboratory, Department of Genetics, University Medical Center Groningen
Classification: Uncertain significance. Review status: no assertion criteria provided. Collection method: clinical testing. Allele origin: germline. Affected: yes. Study: VKGL Data-share Consensus. Not counted in ClinVar's aggregate classification.

Genome Diagnostics Laboratory, University Medical Center Utrecht
Classification: Uncertain significance. Review status: no assertion criteria provided. Collection method: clinical testing. Allele origin: germline. Affected: yes. Study: VKGL Data-share Consensus. Not counted in ClinVar's aggregate classification.

NM_002230.4(JUP):c.374C>T (p.Ser125Leu)

Gene: JUP (junction plakoglobin; minus strand). Cytogenetic location: 17q21.2.
Variant type: single nucleotide variant.
Coding change: c.374C>T on transcript NM_002230.4 (MANE Select); coding-DNA position 374, C replaced by T.
Protein change: p.Ser125Leu; replaces serine 125 with leucine.
Molecular consequence: missense variant.
Genome position (GRCh38, 1-based): chr17:41,769,512, G>A on the plus strand (C>T on the coding strand, the complement: JUP is on the minus strand). VCF-style: chr17-41769512-G-A. GRCh37 (hg19) VCF-style: chr17-39925764-G-A.
Other names: c.374C>T (NM_002230.2); c.374C>T, p.Ser125Leu (NM_001352773.2, NM_001352774.2, NM_001352775.2 and 3 more transcripts); short protein forms S125L.
Identifiers: ClinVar variation 1003551 (VCV001003551.13), dbSNP rs782527770, ClinGen allele CA8565511.